The following is an entry in ClinVar:

ClinVar aggregate classification (germline): Uncertain significance (1 of 4 stars; one submission).

Submission:

Ambry Genetics
Classification: Uncertain significance. Last evaluated: 2022-08-28. Review status: criteria provided, single submitter. Criteria: Ambry Variant Classification Scheme 2023. Collection method: clinical testing. Allele origin: germline.
Comment: The p.R1251P variant (also known as c.3752G>C), located in coding exon 7 of the MLH3 gene, results from a G to C substitution at nucleotide position 3752. The arginine at codon 1251 is replaced by proline, an amino acid with dissimilar properties. This amino acid position is conserved. In addition, the in silico prediction for this alteration is inconclusive. Since supporting evidence is limited at this time, the clinical significance of this alteration remains unclear.

NM_001040108.2(MLH3):c.3752G>C (p.Arg1251Pro)

Gene: MLH3 (mutL homolog 3; minus strand). Cytogenetic location: 14q24.3.
Variant type: single nucleotide variant.
Coding change: c.3752G>C on transcript NM_001040108.2 (MANE Select); coding-DNA position 3752, G replaced by C.
Protein change: p.Arg1251Pro; replaces arginine 1251 with proline.
Molecular consequence: missense variant.
Genome position (GRCh38, 1-based): chr14:75,032,143, C>G on the plus strand (G>C on the coding strand, the complement: MLH3 is on the minus strand). VCF-style: chr14-75032143-C-G. GRCh37 (hg19) VCF-style: chr14-75498846-C-G.
Other names: c.3680G>C, p.Arg1227Pro (NM_014381.3); short protein forms R1227P, R1251P.
Identifiers: ClinVar variation 1734578 (VCV001734578.2), dbSNP rs201721635, ClinGen allele CA390424966.